The following is an entry in ClinVar:

NM_020750.3(XPO5):c.1013G>C (p.Gly338Ala)

Genes: POLR1C (RNA polymerase I and III subunit C; plus strand), XPO5 (exportin 5; minus strand). Cytogenetic location: 6p21.1.
Variant type: single nucleotide variant.
Coding change: c.1013G>C on transcript NM_020750.3 (MANE Select); coding-DNA position 1013, G replaced by C.
Protein change: p.Gly338Ala; replaces glycine 338 with alanine.
Molecular consequence: missense variant. On other transcripts: non-coding transcript variant (1), intron variant (1).
Genome position (GRCh38, 1-based): chr6:43,561,006, C>G on the plus strand (G>C on the coding strand, the complement: XPO5 is on the minus strand). VCF-style: chr6-43561006-C-G. GRCh37 (hg19) VCF-style: chr6-43528743-C-G.
Other names: c.*43-394C>G (NM_001363658.2); short protein forms G338A.
Identifiers: ClinVar variation 2985540 (VCV002985540.3), dbSNP rs1561882891, ClinGen allele CA364255606.

ClinVar aggregate classification (germline): Uncertain significance (1 of 4 stars; one submission).

gnomAD v4.1: 5 of 1,613,152 alleles (0.00031%); no homozygotes.

Submission:

Labcorp Genetics (formerly Invitae), Labcorp
Classification: Uncertain significance. Last evaluated: 2023-03-19. Review status: criteria provided, single submitter. Criteria: Invitae Variant Classification Sherloc (09022015). Collection method: clinical testing. Allele origin: germline.
Comment: This sequence change replaces glycine, which is neutral and non-polar, with alanine, which is neutral and non-polar, at codon 338 of the XPO5 protein (p.Gly338Ala). This variant is not present in population databases (gnomAD no frequency). This variant has not been reported in the literature in individuals affected with XPO5-related conditions. Algorithms developed to predict the effect of missense changes on protein structure and function output the following: SIFT: "Not Available"; PolyPhen-2: "Benign"; Align-GVGD: "Not Available". The alanine amino acid residue is found in multiple mammalian species, which suggests that this missense change does not adversely affect protein function. In summary, the available evidence is currently insufficient to determine the role of this variant in disease. Therefore, it has been classified as a Variant of Uncertain Significance.